The following is an entry in ClinVar:

NM_001735.3(C5):c.1159C>T (p.Pro387Ser)

Gene: C5 (complement C5; minus strand). Cytogenetic location: 9q33.2.
Variant type: single nucleotide variant.
Coding change: c.1159C>T on transcript NM_001735.3 (MANE Select); coding-DNA position 1159, C replaced by T.
Protein change: p.Pro387Ser; replaces proline 387 with serine.
Molecular consequence: missense variant.
Genome position (GRCh38, 1-based): chr9:121,021,652, G>A on the plus strand (C>T on the coding strand, the complement: C5 is on the minus strand). VCF-style: chr9-121021652-G-A. GRCh37 (hg19) VCF-style: chr9-123783930-G-A.
Other names: c.1177C>T, p.Pro393Ser (NM_001317163.2); c.1159C>T, p.Pro387Ser (NM_001317164.2); short protein forms P387S, P393S.
Identifiers: ClinVar variation 4802009 (VCV004802009.1).
Genomic context (GRCh38, chr9:121,021,652, plus strand): 5'-TTGGATCCAAGTCAGATGTCTCTTGGTTTACATCAATTGTTTGTGCATTCAGTGTTACTG[G>A]GACTCCTCCTACCAACTGGTCAAGCGAATCTTTAACCTGCACCTGTTTGTCAAAACAATC-3'
Protein context (NP_001726.2, residues 377-397): DSLDQLVGGV[Pro387Ser]VTLNAQTIDV

ClinVar aggregate classification (germline): Uncertain significance (1 of 4 stars; one submission).

Submission:

Labcorp Genetics (formerly Invitae), Labcorp
Classification: Uncertain significance. Last evaluated: 2026-01-12. Review status: criteria provided, single submitter. Criteria: Invitae Variant Classification Sherloc (09022015). Collection method: clinical testing. Allele origin: germline.
Comment: This sequence change replaces proline, which is neutral and non-polar, with serine, which is neutral and polar, at codon 387 of the C5 protein (p.Pro387Ser). This variant is not present in population databases (gnomAD no frequency). This variant has not been reported in the literature in individuals affected with C5-related conditions. Invitae Evidence Modeling of protein sequence and biophysical properties (such as structural, functional, and spatial information, amino acid conservation, physicochemical variation, residue mobility, and thermodynamic stability) indicates that this missense variant is not expected to disrupt C5 protein function with a negative predictive value of 80%. In summary, the available evidence is currently insufficient to determine the role of this variant in disease. Therefore, it has been classified as a Variant of Uncertain Significance.